The following is an entry in ClinVar:

ClinVar aggregate classification (germline): Uncertain significance (1 of 4 stars; one submission).

Conditions:
Werner syndrome (WRN). Identifiers: Orphanet 902, MedGen C0043119, MONDO:0010196, OMIM 277700.

Allele frequency attached by ClinVar (database versions not stated): gnomAD exomes below 0.00001; ExAC 0.00001.
gnomAD v4.1: 8 of 1,613,938 alleles (0.0005%); highest among the groups gnomAD compares: East Asian, 0.0022%; no homozygotes.

Submission:

Labcorp Genetics (formerly Invitae), Labcorp
Classification: Uncertain significance for Werner syndrome. Last evaluated: 2021-05-07. Review status: criteria provided, single submitter. Criteria: Invitae Variant Classification Sherloc (09022015). Collection method: clinical testing. Allele origin: germline.
Comment: In summary, the available evidence is currently insufficient to determine the role of this variant in disease. Therefore, it has been classified as a Variant of Uncertain Significance. Algorithms developed to predict the effect of missense changes on protein structure and function are either unavailable or do not agree on the potential impact of this missense change (SIFT: "Not Available"; PolyPhen-2: "Probably Damaging"; Align-GVGD: "Not Available"). This variant has not been reported in the literature in individuals with WRN-related conditions. This variant is present in population databases (rs777084325, ExAC 0.01%). This sequence change replaces arginine with glutamine at codon 732 of the WRN protein (p.Arg732Gln). The arginine residue is highly conserved and there is a small physicochemical difference between arginine and glutamine.

NM_000553.6(WRN):c.2195G>A (p.Arg732Gln)

Gene: WRN (WRN RecQ like helicase; plus strand). Cytogenetic location: 8p12.
Variant type: single nucleotide variant.
Coding change: c.2195G>A on transcript NM_000553.6 (MANE Select); coding-DNA position 2195, G replaced by A.
Protein change: p.Arg732Gln; replaces arginine 732 with glutamine.
Molecular consequence: missense variant.
Genome position (GRCh38, 1-based): chr8:31,111,721, G>A. VCF-style: chr8-31111721-G-A. GRCh37 (hg19) VCF-style: chr8-30969237-G-A.
Other names: short protein forms R732Q.
Identifiers: ClinVar variation 1018798 (VCV001018798.3), dbSNP rs777084325, ClinGen allele CA4704668.